The following is an entry in ClinVar:

ClinVar aggregate classification (germline): Uncertain significance (1 of 4 stars; one submission).

Conditions:
Early-infantile DEE. Also called: Early infantile epileptic encephalopathy with suppression bursts; Early infantile epileptic encephalopathy; Ohtahara syndrome. Identifiers: Orphanet 1934, MedGen C0393706, MONDO:0800491.

Submission:

Labcorp Genetics (formerly Invitae), Labcorp
Classification: Uncertain significance for Early-infantile DEE. Last evaluated: 2022-11-19. Review status: criteria provided, single submitter. Criteria: Invitae Variant Classification Sherloc (09022015). Collection method: clinical testing. Allele origin: germline.
Comment: This variant has not been reported in the literature in individuals affected with SCN8A-related conditions. In summary, the available evidence is currently insufficient to determine the role of this variant in disease. Therefore, it has been classified as a Variant of Uncertain Significance. Advanced modeling of protein sequence and biophysical properties (such as structural, functional, and spatial information, amino acid conservation, physicochemical variation, residue mobility, and thermodynamic stability) performed at Invitae indicates that this missense variant is expected to disrupt SCN8A protein function. This variant is not present in population databases (gnomAD no frequency). This sequence change replaces arginine, which is basic and polar, with proline, which is neutral and non-polar, at codon 1629 of the SCN8A protein (p.Arg1629Pro).

NM_001330260.2(SCN8A):c.4886G>C (p.Arg1629Pro)

Gene: SCN8A (sodium voltage-gated channel alpha subunit 8; plus strand). Cytogenetic location: 12q13.13.
Variant type: single nucleotide variant.
Coding change: c.4886G>C on transcript NM_001330260.2 (MANE Select); coding-DNA position 4886, G replaced by C.
Protein change: p.Arg1629Pro; replaces arginine 1629 with proline.
Molecular consequence: missense variant.
Genome position (GRCh38, 1-based): chr12:51,806,372, G>C. VCF-style: chr12-51806372-G-C. GRCh37 (hg19) VCF-style: chr12-52200156-G-C.
Other names: c.4763G>C, p.Arg1588Pro (NM_001177984.3, NM_001369788.1); c.4886G>C, p.Arg1629Pro (NM_014191.4); short protein forms R1588P, R1629P.
Identifiers: ClinVar variation 1717678 (VCV001717678.5), dbSNP rs376631260, ClinGen allele CA384880443.